The following is an entry in ClinVar:

ClinVar aggregate classification (germline): Benign (1 of 4 stars; one submission).

Conditions:
Familial adenomatous polyposis 1 (FAP1). Also called: POLYPOSIS, ADENOMATOUS INTESTINAL; FAMILIAL ADENOMATOUS POLYPOSIS 1, ATTENUATED. Identifiers: MedGen C2713442, MONDO:0021056, OMIM 175100. Disease mechanism: loss of function.

Submission:

Myriad Genetics, Inc.
Classification: Benign for Familial adenomatous polyposis 1. Last evaluated: 2024-03-26. Review status: criteria provided, single submitter. Criteria: Myriad Autosomal Dominant, Autosomal Recessive and X-Linked Classification Criteria (2023). Collection method: clinical testing. Allele origin: unknown.
Comment: This variant is considered benign. This variant is a silent/synonymous amino acid change and it is not expected to impact splicing.

NM_000038.6(APC):c.4212C>G (p.Ser1404=)

Gene: APC (APC regulator of Wnt signaling pathway; plus strand). Cytogenetic location: 5q22.2.
Variant type: single nucleotide variant.
Coding change: c.4212C>G on transcript NM_000038.6 (MANE Select); coding-DNA position 4212, C replaced by G.
Protein change: p.Ser1404=; no amino-acid change (serine 1404 retained).
Molecular consequence: synonymous variant. On other transcripts: non-coding transcript variant (2).
Genome position (GRCh38, 1-based): chr5:112,839,806, C>G. VCF-style: chr5-112839806-C-G. GRCh37 (hg19) VCF-style: chr5-112175503-C-G.
Other names: c.4212C>G, p.Ser1404= (NM_001127510.3, NM_001354895.2, NM_001407450.1); c.4158C>G, p.Ser1386= (NM_001127511.3); c.4266C>G, p.Ser1422= (NM_001354896.2, NM_001407447.1, NM_001407448.1 and 1 more transcripts); c.4242C>G, p.Ser1414= (NM_001354897.2); c.4137C>G, p.Ser1379= (NM_001354898.2); c.4128C>G, p.Ser1376= (NM_001354899.2); c.4089C>G, p.Ser1363= (NM_001354900.2); c.4035C>G, p.Ser1345= (NM_001354901.2, NM_001407453.1); and 11 more.
Identifiers: ClinVar variation 3148438 (VCV003148438.1), dbSNP rs144655979, ClinGen allele CA445964212.
Genomic context (GRCh38, chr5:112,839,806, plus strand): 5'-TAGCAGATGTACTTCTGTCAGTTCACTTGATAGTTTTGAGAGTCGTTCGATTGCCAGCTC[C>G]GTTCAGAGTGAACCATGCAGTGGAATGGTAAGTGGCATTATAAGCCCCAGTGATCTTCCA-3'
Protein context (NP_000029.2, residues 1394-1414): DSFESRSIAS[Ser1404=]VQSEPCSGMV